The following is an entry in ClinVar:

ClinVar aggregate classification (germline): Conflicting classifications of pathogenicity. Review status: criteria provided, conflicting classifications (1 of 4 stars). 7 submissions from 7 submitters: Pathogenic (1); Likely pathogenic (5); Uncertain significance (1). Last evaluated 2025-04-13.

Conditions:
Inborn genetic diseases. Identifiers: MedGen C0950123, MeSH D030342.
Leukoencephalopathy with brain stem and spinal cord involvement-high lactate syndrome (LBSL). Also called: LEUKOENCEPHALOPATHY WITH BRAINSTEM AND SPINAL CORD INVOLVEMENT AND LACTATE ELEVATION, MILD; MITOCHONDRIAL ASPARTYL-tRNA SYNTHETASE DEFICIENCY; Leukoencephalopathy with Brainstem and Spinal Cord Involvement and Lactate Elevation. Identifiers: Orphanet 137898, MedGen C1970180, MONDO:0012622, OMIM 611105.

Allele frequency attached by ClinVar (database versions not stated): ExAC 0.00001; gnomAD exomes 0.00001 and 0.00003; gnomAD 0.00006.
gnomAD v4.1: 20 of 1,611,790 alleles (0.0012%); highest among the groups gnomAD compares: Admixed American, 0.025%; no homozygotes.

Submissions (7):

Labcorp Genetics (formerly Invitae), Labcorp
Classification: Likely pathogenic. Last evaluated: 2025-04-13. Review status: criteria provided, single submitter. Criteria: Invitae Variant Classification Sherloc (09022015). Collection method: clinical testing. Allele origin: germline.
Comment: This sequence change affects a donor splice site in intron 4 of the DARS2 gene. It is expected to disrupt RNA splicing. Variants that disrupt the donor or acceptor splice site typically lead to a loss of protein function (PMID: 16199547), and loss-of-function variants in DARS2 are known to be pathogenic (PMID: 17384640, 24566671). This variant is present in population databases (rs759123043, gnomAD 0.02%). Disruption of this splice site has been observed in individual(s) with leukoencephalopathy with brain stem and spinal cord involvement and lactate elevation (PMID: 17384640). This variant is also known as 396+2T>G. ClinVar contains an entry for this variant (Variation ID: 449386). Algorithms developed to predict the effect of sequence changes on RNA splicing suggest that this variant may disrupt the consensus splice site. In summary, the currently available evidence indicates that the variant is pathogenic, but additional data are needed to prove that conclusively. Therefore, this variant has been classified as Likely Pathogenic.

Broad Center for Mendelian Genomics, Broad Institute of MIT and Harvard
Classification: Likely pathogenic for Leukoencephalopathy with brain stem and spinal cord involvement-high lactate syndrome. Last evaluated: 2025-01-16. Review status: criteria provided, single submitter. Criteria: ACMG Guidelines, 2015. Collection method: curation. Allele origin: germline. Inheritance: Autosomal recessive inheritance.
Comment: The c.396+2T>G variant in DARS2 has been reported, in the compound heterozygous state, in one individual with leukoencephalopathy with brain stem and spinal cord involvement-high lactate syndrome (PMID: 17384640), but has been identified in 0.03% (15/59980) of Admixed chromosomes by the Genome Aggregation Database (gnomAD; dbSNP rs759123043). Although this variant has been seen in the general population in a heterozygous state, its frequency is not high enough to rule out a pathogenic role. This variant has also been reported in ClinVar (Variation ID: 449386) and has been interpreted as pathogenic or likely pathogenic by multiple submitters. This variant is located in the 5' splice region. Computational tools predict both an in-frame and out-of-frame cryptic splice site, providing evidence that this variant may escape NMD or lead to a truncated or absent protein. However, this information is not predictive enough to determine pathogenicity. Loss of function of the DARS2 gene is an established disease mechanism in autosomal recessive leukoencephalopathy with brain stem and spinal cord involvement-high lactate syndrome. In summary, although additional studies are required to fully establish its clinical significance, this variant is likely pathogenic for autosomal recessive leukoencephalopathy with brain stem and spinal cord involvement-high lactate syndrome. ACMG/AMP Criteria applied: PVS1_strong, PM3 (Richards 2015).

GeneDx
Classification: Uncertain significance. Last evaluated: 2025-01-15. Review status: criteria provided, single submitter. Criteria: GeneDx Variant Classification Process June 2021. Collection method: clinical testing. Allele origin: germline. Affected: yes.
Comment: Canonical splice site variant predicted to result in an in-frame loss of the adjacent exon in a gene for which loss of function is a known mechanism of disease; This variant is associated with the following publications: (PMID: 25525159, 31589614, 17384640)

Genome-Nilou Lab
Classification: Likely pathogenic for Leukoencephalopathy with brain stem and spinal cord involvement-high lactate syndrome. Last evaluated: 2023-04-11. Review status: criteria provided, single submitter. Criteria: ACMG Guidelines, 2015. Collection method: clinical testing. Allele origin: germline. Affected: no.

Laboratorio de Genetica e Diagnostico Molecular, Hospital Israelita Albert Einstein
Classification: Likely pathogenic for Leukoencephalopathy with brain stem and spinal cord involvement-high lactate syndrome. Last evaluated: 2022-06-21. Review status: criteria provided, single submitter. Criteria: ACMG Guidelines, 2015. Collection method: clinical testing. Allele origin: germline. Affected: yes. Observed: 1 variant allele.
Comment: ACMG classification criteria: PVS1 strong, PS4 supporting, PM2 moderated, PM3 supporting

Ambry Genetics
Classification: Likely pathogenic for Inborn genetic diseases. Last evaluated: 2021-08-12. Review status: criteria provided, single submitter. Criteria: Ambry Variant Classification Scheme 2023. Collection method: clinical testing. Allele origin: germline.
Comment: The c.396+2T>G intronic variant results from a T to G substitution two nucleotides after coding exon 4 of the DARS2 gene. Alterations that disrupt the canonical splice site are expected to result in aberrant splicing. The resulting transcript is predicted to be in-frame and is not expected to trigger nonsense-mediated mRNA decay; however, direct evidence is unavailable. The exact functional effect of the altered amino acid sequence is unknown; however, a significant portion of the protein is affected (Ambry internal data). Based on data from gnomAD, the G allele has an overall frequency of <0.01% (9/282862) total alleles studied. The c.396+2T>G alteration has been identified in the compound heterozygous state with a second DARS2 alteration (c.228-15C>A) in one individual with leukoencephalopathy with brain stem and spinal cord involvement with lactate elevation (LBSL) (Scheper, 2007). This nucleotide position is well conserved in available vertebrate species. In silico splice site analysis predicts that this alteration will weaken the native splice donor site. Based on the available evidence, this alteration is classified as likely pathogenic.

Fulgent Genetics
Classification: Pathogenic for Leukoencephalopathy with brain stem and spinal cord involvement-high lactate syndrome. Last evaluated: 2018-10-31. Review status: criteria provided, single submitter. Criteria: ACMG Guidelines, 2015. Collection method: clinical testing. Allele origin: unknown.

Literature cited by the submitters: PubMed 16199547 (cited by Labcorp Genetics (formerly Invitae), Labcorp); PubMed 17384640 (cited by Labcorp Genetics (formerly Invitae), Labcorp and Ambry Genetics); PubMed 24566671 (cited by Labcorp Genetics (formerly Invitae), Labcorp).

NM_018122.5(DARS2):c.396+2T>G

Gene: DARS2 (aspartyl-tRNA synthetase 2, mitochondrial; plus strand). Cytogenetic location: 1q25.1.
Variant type: single nucleotide variant.
Coding change: c.396+2T>G on transcript NM_018122.5 (MANE Select); the canonical splice donor site of the intron after coding-DNA position 396, T replaced by G.
Molecular consequence: splice donor variant.
Genome position (GRCh38, 1-based): chr1:173,830,763, T>G. VCF-style: chr1-173830763-T-G. GRCh37 (hg19) VCF-style: chr1-173799901-T-G.
Other names: c.396+2T>G (NM_001365212.1, NM_001365213.2).
Identifiers: ClinVar variation 449386 (VCV000449386.13), dbSNP rs759123043, ClinGen allele CA1250113.